The following is an entry in ClinVar:

ClinVar aggregate classification (germline): Uncertain significance (1 of 4 stars; one submission).

Conditions:
Inborn genetic diseases. Identifiers: MedGen C0950123, MeSH D030342.

Submission:

Ambry Genetics
Classification: Uncertain significance for Inborn genetic diseases. Last evaluated: 2025-02-11. Review status: criteria provided, single submitter. Criteria: Ambry Variant Classification Scheme 2023. Collection method: clinical testing. Allele origin: germline.
Comment: The p.T261K variant (also known as c.782C>A), located in coding exon 5 of the MECOM gene, results from a C to A substitution at nucleotide position 782. The threonine at codon 261 is replaced by lysine, an amino acid with similar properties. This amino acid position is conserved. In addition, this alteration is predicted to be tolerated by in silico analysis. Based on the available evidence, the clinical significance of this variant remains unclear.

NM_004991.4(MECOM):c.782C>A (p.Thr261Lys)

Gene: MECOM (MDS1 and EVI1 complex locus; minus strand). Cytogenetic location: 3q26.2.
Variant type: single nucleotide variant.
Coding change: c.782C>A on transcript NM_004991.4 (MANE Select); coding-DNA position 782, C replaced by A.
Protein change: p.Thr261Lys; replaces threonine 261 with lysine.
Molecular consequence: missense variant.
Genome position (GRCh38, 1-based): chr3:169,127,892, G>T on the plus strand (C>A on the coding strand, the complement: MECOM is on the minus strand). VCF-style: chr3-169127892-G-T. GRCh37 (hg19) VCF-style: chr3-168845680-G-T.
Other names: c.410C>A, p.Thr137Lys (NM_001105077.4); c.218C>A, p.Thr73Lys (NM_001105078.4, NM_001163999.2, NM_001164000.2 and 9 more transcripts); c.782C>A, p.Thr261Lys (NM_001366466.2, NM_001366473.2); short protein forms T137K, T261K, T73K.
Identifiers: ClinVar variation 3871823 (VCV003871823.1).